The following is an entry in ClinVar:

ClinVar aggregate classification (germline): Uncertain significance. Review status: criteria provided, multiple submitters, no conflicts (2 of 4 stars). 2 submissions from 2 submitters: Uncertain significance (2). Last evaluated 2024-04-12.

Conditions:
Episodic ataxia type 2 (EA2). Also called: ATAXIA, EPISODIC, WITH NYSTAGMUS; ATAXIA, FAMILIAL PAROXYSMAL; CEREBELLAR ATAXIA, PAROXYSMAL, ACETAZOLAMIDE-RESPONSIVE; CEREBELLOPATHY, HEREDITARY PAROXYSMAL; EPISODIC ATAXIA, NYSTAGMUS-ASSOCIATED; ACETAZOLAMIDE-RESPONSIVE HEREDITARY PAROXYSMAL CEREBELLAR ATAXIA. Identifiers: Orphanet 97, MedGen C1720416, MONDO:0007163, OMIM 108500.
Developmental and epileptic encephalopathy, 42 (DEE42A). Also called: Epileptic encephalopathy, early infantile, 42; DEVELOPMENTAL AND EPILEPTIC ENCEPHALOPATHY 42A; EPILEPTIC ENCEPHALOPATHY, EARLY INFANTILE, 42A. Identifiers: MedGen C4310716, MONDO:0014917, OMIM 617106.

Allele frequency attached by ClinVar (database versions not stated): gnomAD 0.00001; gnomAD exomes 0.00001; TOPMed 0.00001.
gnomAD v4.1: 11 of 1,605,780 alleles (0.00069%); highest among the groups gnomAD compares: Admixed American, 0.005%; no homozygotes.

Submissions (2):

Labcorp Genetics (formerly Invitae), Labcorp
Classification: Uncertain significance for Developmental and epileptic encephalopathy, 42; Episodic ataxia type 2. Last evaluated: 2024-04-12. Review status: criteria provided, single submitter. Criteria: Invitae Variant Classification Sherloc (09022015). Collection method: clinical testing. Allele origin: germline.
Comment: This sequence change replaces asparagine, which is neutral and polar, with serine, which is neutral and polar, at codon 390 of the CACNA1A protein (p.Asn390Ser). This variant is present in population databases (no rsID available, gnomAD 0.0009%). This missense change has been observed in individual(s) with seizures (Invitae). ClinVar contains an entry for this variant (Variation ID: 421965). Advanced modeling of protein sequence and biophysical properties (such as structural, functional, and spatial information, amino acid conservation, physicochemical variation, residue mobility, and thermodynamic stability) performed at Invitae indicates that this missense variant is expected to disrupt CACNA1A protein function with a positive predictive value of 95%. This variant disrupts the p.Asn390 amino acid residue in CACNA1A. Other variant(s) that disrupt this residue have been observed in individuals with CACNA1A-related conditions (PMID: 34806130), which suggests that this may be a clinically significant amino acid residue. In summary, the available evidence is currently insufficient to determine the role of this variant in disease. Therefore, it has been classified as a Variant of Uncertain Significance.

GeneDx
Classification: Uncertain significance. Last evaluated: 2018-09-07. Review status: criteria provided, single submitter. Criteria: GeneDx Variant Classification (06012015). Collection method: clinical testing. Allele origin: germline. Affected: yes.
Comment: The N390S variant has not been published as a pathogenic variant, nor has it been reported as a benign variant to our knowledge. The N390S variant is observed in 1/111692 (0.001%) alleles from individuals of European background in large population cohorts (Lek et al., 2016). In-silico analyses, including protein predictors and evolutionary conservation, support a deleterious effect. Missense variants in nearby residues have been reported in the Human Gene Mutation Database in association with episodic ataxia type 2 (Stenson et al., 2014). However, the N390S variant is a conservative amino acid substitution, which is not likely to impact secondary protein structure as these residues share similar properties. Therefore, based on the currently available information, it is unclear whether this variant is a pathogenic variant or a rare benign variant.

Literature cited by the submitters: PubMed 34806130 (cited by Labcorp Genetics (formerly Invitae), Labcorp).

NM_001127222.2(CACNA1A):c.1169A>G (p.Asn390Ser)

Gene: CACNA1A (calcium voltage-gated channel subunit alpha1 A; minus strand). Cytogenetic location: 19p13.13.
Variant type: single nucleotide variant.
Coding change: c.1169A>G on transcript NM_001127222.2 (MANE Select); coding-DNA position 1169, A replaced by G.
Protein change: p.Asn390Ser; replaces asparagine 390 with serine.
Molecular consequence: missense variant.
Genome position (GRCh38, 1-based): chr19:13,334,407, T>C on the plus strand (A>G on the coding strand, the complement: CACNA1A is on the minus strand). VCF-style: chr19-13334407-T-C. GRCh37 (hg19) VCF-style: chr19-13445221-T-C.
Other names: c.1169A>G, p.Asn390Ser (NM_000068.4, NM_001127221.2, NM_001174080.2 and 1 more transcripts); short protein forms N390S.
Identifiers: ClinVar variation 421965 (VCV000421965.11), dbSNP rs1064795477, ClinGen allele CA16620798.